The following is an entry in ClinVar:

NM_002016.2(FLG):c.8311C>T (p.Gln2771Ter)

Genes: CCDST (cervical cancer associated DHX9 suppressive transcript; plus strand), FLG (filaggrin; minus strand). Cytogenetic location: 1q21.3.
Variant type: single nucleotide variant.
Coding change: c.8311C>T on transcript NM_002016.2 (MANE Select); coding-DNA position 8311, C replaced by T.
Protein change: p.Gln2771Ter; replaces glutamine 2771 with a stop codon.
Molecular consequence: nonsense.
Genome position (GRCh38, 1-based): chr1:152,306,575, G>A on the plus strand (C>T on the coding strand, the complement: FLG is on the minus strand). VCF-style: chr1-152306575-G-A. GRCh37 (hg19) VCF-style: chr1-152279051-G-A.
Other names: short protein forms Q2771*.
Identifiers: ClinVar variation 2584527 (VCV002584527.1), dbSNP rs1281410534, ClinGen allele CA342038616.

ClinVar aggregate classification (germline): Likely pathogenic (1 of 4 stars; one submission).

Conditions:
FLG-related disorder. Also called: FLG-related condition; FLG-related disorders.

Submission:

Rady Children's Institute for Genomic Medicine, Rady Children's Hospital San Diego
Classification: Likely pathogenic for FLG-related disorders. Review status: criteria provided, single submitter. Criteria: ACMG Guidelines, 2015. Collection method: clinical testing. Allele origin: germline. Affected: yes.
Comment: This nonsense variant is found in the last exon of FLG and is therefore predicted to escape nonsense-mediated mRNA decay (NMD). This variant has not been previously reported or functionally characterized in the literature to our knowledge. However, nonsense variants located downstream of this variant have been previously reported in affected individuals (PMID: 20222934). Loss-of-function variation in FLG is an established mechanism of disease (PMID: 27678121, 21428977, 24608987). The c.8311C>T (p.Gln2771Ter) variant is present in the heterozygous state in the gnomAD population database at a frequency of 0.001% (2/251392) and thus is presumed to be rare. Based on the available evidence, the c.8311C>T (p.Gln2771Ter) variant is classified as Likely Pathogenic.